The following is an entry in ClinVar:

ClinVar aggregate classification (germline): Uncertain significance (1 of 4 stars; one submission).

Conditions:
Developmental and epileptic encephalopathy, 21 (DEE21). Also called: Early infantile epileptic encephalopathy 21. Identifiers: Orphanet 442835, MedGen C4014430, MONDO:0014360, OMIM 615833.

Submission:

Labcorp Genetics (formerly Invitae), Labcorp
Classification: Uncertain significance for Developmental and epileptic encephalopathy, 21. Last evaluated: 2022-07-23. Review status: criteria provided, single submitter. Criteria: Invitae Variant Classification Sherloc (09022015). Collection method: clinical testing. Allele origin: germline.
Comment: In summary, the available evidence is currently insufficient to determine the role of this variant in disease. Therefore, it has been classified as a Variant of Uncertain Significance. Algorithms developed to predict the effect of sequence changes on RNA splicing suggest that this variant may disrupt the consensus splice site. This variant has not been reported in the literature in individuals affected with NECAP1-related conditions. This variant is not present in population databases (gnomAD no frequency). This sequence change affects codon 255 of the NECAP1 mRNA. It is a 'silent' change, meaning that it does not change the encoded amino acid sequence of the NECAP1 protein.

NM_015509.4(NECAP1):c.765C>T (p.Phe255=)

Gene: NECAP1 (NECAP endocytosis associated 1; plus strand). Cytogenetic location: 12p13.31.
Variant type: single nucleotide variant.
Coding change: c.765C>T on transcript NM_015509.4 (MANE Select); coding-DNA position 765, C replaced by T.
Protein change: p.Phe255=; no amino-acid change (phenylalanine 255 retained).
Molecular consequence: synonymous variant. On other transcripts: non-coding transcript variant (1).
Genome position (GRCh38, 1-based): chr12:8,095,689, C>T. VCF-style: chr12-8095689-C-T. GRCh37 (hg19) VCF-style: chr12-8248285-C-T.
Identifiers: ClinVar variation 2019217 (VCV002019217.4), dbSNP rs750777115, ClinGen allele CA478234578.